The following is an entry in ClinVar:

NM_002474.3(MYH11):c.343T>C (p.Tyr115His)

Gene: MYH11 (myosin heavy chain 11; minus strand). Cytogenetic location: 16p13.11.
Variant type: single nucleotide variant.
Coding change: c.343T>C on transcript NM_002474.3 (MANE Select); coding-DNA position 343, T replaced by C.
Protein change: p.Tyr115His; replaces tyrosine 115 with histidine.
Molecular consequence: missense variant.
Genome position (GRCh38, 1-based): chr16:15,837,910, A>G on the plus strand (T>C on the coding strand, the complement: MYH11 is on the minus strand). VCF-style: chr16-15837910-A-G. GRCh37 (hg19) VCF-style: chr16-15931767-A-G.
Other names: c.343T>C, p.Tyr115His (NM_001040113.2, NM_001040114.2, NM_022844.3); short protein forms Y115H.
Identifiers: ClinVar variation 2724756 (VCV002724756.3), dbSNP rs2507035919, ClinGen allele CA395198140.

ClinVar aggregate classification (germline): Uncertain significance (1 of 4 stars; one submission).

Conditions:
Aortic aneurysm, familial thoracic 4 (AAT4). Also called: AORTIC ANEURYSM/AORTIC DISSECTION AND PATENT DUCTUS ARTERIOSUS. Identifiers: MedGen C1851504, MONDO:0007568, OMIM 132900.

Submission:

Labcorp Genetics (formerly Invitae), Labcorp
Classification: Uncertain significance for Aortic aneurysm, familial thoracic 4. Last evaluated: 2024-01-29. Review status: criteria provided, single submitter. Criteria: Invitae Variant Classification Sherloc (09022015). Collection method: clinical testing. Allele origin: germline.
Comment: This sequence change replaces tyrosine, which is neutral and polar, with histidine, which is basic and polar, at codon 115 of the MYH11 protein (p.Tyr115His). This variant is not present in population databases (gnomAD no frequency). This variant has not been reported in the literature in individuals affected with MYH11-related conditions. An algorithm developed to predict the effect of missense changes on protein structure and function (PolyPhen-2) suggests that this variant is likely to be disruptive. In summary, the available evidence is currently insufficient to determine the role of this variant in disease. Therefore, it has been classified as a Variant of Uncertain Significance.